The following is an entry in ClinVar:

ClinVar aggregate classification (germline): Likely benign (0 of 4 stars; one submission).

Conditions:
C2CD3-related disorder. Also called: C2CD3-related condition.

Allele frequency attached by ClinVar (database versions not stated): TOPMed below 0.00001; gnomAD exomes 0.00001; ExAC 0.00003.
gnomAD v4.1: 16 of 1,614,200 alleles (0.00099%); highest among the groups gnomAD compares: South Asian, 0.012%; no homozygotes.

Submission:

PreventionGenetics, part of Exact Sciences
Classification: Likely benign for C2CD3-related condition. Last evaluated: 2021-10-19. Review status: no assertion criteria provided. Collection method: clinical testing. Allele origin: germline.
Comment: This variant is classified as likely benign based on ACMG/AMP sequence variant interpretation guidelines (Richards et al. 2015 PMID: 25741868, with internal and published modifications).

NM_001286577.2(C2CD3):c.4239G>A (p.Arg1413=)

Gene: C2CD3 (C2 domain containing 3 centriole elongation regulator; minus strand). Cytogenetic location: 11q13.4.
Variant type: single nucleotide variant.
Coding change: c.4239G>A on transcript NM_001286577.2 (MANE Select); coding-DNA position 4239, G replaced by A.
Protein change: p.Arg1413=; no amino-acid change (arginine 1413 retained).
Molecular consequence: synonymous variant.
Genome position (GRCh38, 1-based): chr11:74,078,479, C>T on the plus strand (G>A on the coding strand, the complement: C2CD3 is on the minus strand). VCF-style: chr11-74078479-C-T. GRCh37 (hg19) VCF-style: chr11-73789524-C-T.
Other names: c.4239G>A, p.Arg1413= (NM_015531.6).
Identifiers: ClinVar variation 3061120 (VCV003061120.2), dbSNP rs778316793, ClinGen allele CA6182171.